The following is an entry in ClinVar:

NM_001035.3(RYR2):c.770G>A (p.Arg257Gln)

Gene: RYR2 (ryanodine receptor 2; plus strand). Cytogenetic location: 1q43.
Variant type: single nucleotide variant.
Coding change: c.770G>A on transcript NM_001035.3 (MANE Select); coding-DNA position 770, G replaced by A.
Protein change: p.Arg257Gln; replaces arginine 257 with glutamine.
Molecular consequence: missense variant.
Genome position (GRCh38, 1-based): chr1:237,388,180, G>A. VCF-style: chr1-237388180-G-A. GRCh37 (hg19) VCF-style: chr1-237551480-G-A.
Other names: c.770G>A (NM_001035.2); short protein forms R257Q.
Identifiers: ClinVar variation 1005563 (VCV001005563.11), dbSNP rs1023176208, ClinGen allele CA39776120.

ClinVar aggregate classification (germline): Uncertain significance. Review status: criteria provided, multiple submitters, no conflicts (2 of 4 stars). 2 submissions from 2 submitters: Uncertain significance (2). Last evaluated 2025-08-18.

Conditions:
Cardiovascular phenotype. Identifiers: MedGen CN230736.
Catecholaminergic polymorphic ventricular tachycardia 1. Also called: RYR2-Related Catecholaminergic Polymorphic Ventricular Tachycardia; VENTRICULAR TACHYCARDIA, CATECHOLAMINERGIC POLYMORPHIC, 1, WITH OR WITHOUT ATRIAL DYSFUNCTION AND/OR DILATED CARDIOMYOPATHY; VENTRICULAR TACHYCARDIA, STRESS-INDUCED POLYMORPHIC 1. Identifiers: Orphanet 3286, MedGen C1631597, MONDO:0011484, OMIM 604772.

Allele frequency attached by ClinVar (database versions not stated): gnomAD exomes 0.00001; TOPMed 0.00001.
gnomAD v4.1: 7 of 1,613,210 alleles (0.00043%); highest among the groups gnomAD compares: African/African-American, 0.0027%; no homozygotes.

Submissions (2):

Ambry Genetics
Classification: Uncertain significance for Cardiovascular phenotype. Last evaluated: 2025-08-18. Review status: criteria provided, single submitter. Criteria: Ambry Variant Classification Scheme 2023. Collection method: clinical testing. Allele origin: germline.
Comment: The p.R257Q variant (also known as c.770G>A), located in coding exon 10 of the RYR2 gene, results from a G to A substitution at nucleotide position 770. The arginine at codon 257 is replaced by glutamine, an amino acid with highly similar properties. This amino acid position is highly conserved in available vertebrate species. In addition, the in silico prediction for this alteration is inconclusive. Based on the available evidence, the clinical significance of this variant remains unclear.

Labcorp Genetics (formerly Invitae), Labcorp
Classification: Uncertain significance for Catecholaminergic polymorphic ventricular tachycardia 1. Last evaluated: 2024-05-16. Review status: criteria provided, single submitter. Criteria: Invitae Variant Classification Sherloc (09022015). Collection method: clinical testing. Allele origin: germline.
Comment: This sequence change replaces arginine, which is basic and polar, with glutamine, which is neutral and polar, at codon 257 of the RYR2 protein (p.Arg257Gln). This variant is not present in population databases (gnomAD no frequency). This variant has not been reported in the literature in individuals affected with RYR2-related conditions. ClinVar contains an entry for this variant (Variation ID: 1005563). Advanced modeling of protein sequence and biophysical properties (such as structural, functional, and spatial information, amino acid conservation, physicochemical variation, residue mobility, and thermodynamic stability) performed at Invitae indicates that this missense variant is not expected to disrupt RYR2 protein function with a negative predictive value of 95%. In summary, the available evidence is currently insufficient to determine the role of this variant in disease. Therefore, it has been classified as a Variant of Uncertain Significance.